The following is an entry in ClinVar:

NM_016592.5(GNAS):c.634GAG[1] (p.Glu213del)

Genes: GNAS (GNAS complex locus; plus strand), GNAS-AS1 (GNAS antisense RNA 1; minus strand). Cytogenetic location: 20q13.32.
Variant type: Microsatellite.
Coding change: c.634GAG[1] on transcript NM_016592.5 (MANE Plus Clinical); one copy of the 3-base unit GAG starting at c.634; the reference has two copies in a row; one copy, 3 bases deleted.
Protein change: p.Glu213del; deletes glutamic acid 213.
Molecular consequence: inframe deletion. On other transcripts: 5 prime UTR variant (1).
Genome position (GRCh38, 1-based): chr20:58,840,743-58,840,745, GAG deleted; deleting any 3 consecutive bases within chr20:58,840,738-58,840,745 gives the same sequence; the position shown is the placement nearest the transcript's 3' end. VCF-style (leftmost placement, unchanged base first): chr20-58840737-AAGG-A. GRCh37 (hg19) VCF-style: chr20-57415792-AAGG-A.
Other names: c.-104GAG[1] (NM_001410912.1); short protein forms E213del.
Identifiers: ClinVar variation 2634184 (VCV002634184.4), dbSNP rs772141516, ClinGen allele CA9926373.

ClinVar aggregate classification (germline): Uncertain significance (1 of 4 stars; one submission).

Conditions:
GNAS-related disorder. Identifiers: MedGen CN380105.

Submission:

PreventionGenetics, part of Exact Sciences
Classification: Uncertain significance for GNAS-related condition. Last evaluated: 2026-07-06. Review status: criteria provided, single submitter. Criteria: ACMG Guidelines, 2015. Collection method: clinical testing. Allele origin: germline.
Comment: The GNAS c.637_639delGAG variant is predicted to result in an in-frame deletion (p.Glu213del). In the more commonly reported transcript (NM_000516.5) this variant is pre-coding (c.-50984_-50982delGAG). To our knowledge, this variant has not been reported in the literature. This variant is reported in 0.026% of alleles in individuals of African descent in gnomAD. Although we suspect that this variant may be benign, at this time, the clinical significance of this variant is uncertain due to the absence of conclusive functional and genetic evidence.